The following is an entry in ClinVar:

NM_001035.3(RYR2):c.4937A>G (p.Glu1646Gly)

Gene: RYR2 (ryanodine receptor 2; plus strand). Cytogenetic location: 1q43.
Variant type: single nucleotide variant.
Coding change: c.4937A>G on transcript NM_001035.3 (MANE Select); coding-DNA position 4937, A replaced by G.
Protein change: p.Glu1646Gly; replaces glutamic acid 1646 with glycine.
Molecular consequence: missense variant.
Genome position (GRCh38, 1-based): chr1:237,614,065, A>G. VCF-style: chr1-237614065-A-G. GRCh37 (hg19) VCF-style: chr1-237777365-A-G.
Other names: short protein forms E1646G.
Identifiers: ClinVar variation 922260 (VCV000922260.4), dbSNP rs1678196776, ClinGen allele CA345403512.
Genomic context (GRCh38, chr1:237,614,065, plus strand): 5'-TCTAATCTTACTACCACTCTCCTCCCTTCTACAGATCTGTTGACATCTTAGAGTTGACAG[A>G]GCAGGAGGAATTGCTGAAATTTCACTATCACACTCTCCGGCTCTACTCAGCCGTCTGTGC-3'
Protein context (NP_001026.2, residues 1636-1656): NRSVDILELT[Glu1646Gly]QEELLKFHYH

ClinVar aggregate classification (germline): Uncertain significance (1 of 4 stars; one submission).

Conditions:
Cardiomyopathy (CMYO). Also called: Cardiomyopathies. Identifiers: Orphanet 167848, MedGen C0878544, MONDO:0004994, HP:0001638. Inheritance: Various modes of inheritance.

Allele frequency attached by ClinVar (database versions not stated): gnomAD exomes below 0.00001.
gnomAD v4.1: 1 of 1,613,856 alleles (0.000062%); highest among the groups gnomAD compares: Non-Finnish European, 0.000085%; no homozygotes.

Submission:

Color Diagnostics, LLC DBA Color Health
Classification: Uncertain significance for Cardiomyopathy. Last evaluated: 2024-03-06. Review status: criteria provided, single submitter. Criteria: ACMG Guidelines, 2015. Collection method: clinical testing. Allele origin: germline.
Comment: This missense variant replaces glutamic acid with glycine at codon 1646 of the RYR2 protein. Computational prediction tool suggests that this variant may have deleterious impact on protein structure and function (internally defined REVEL score threshold >=0.7, PMID: 27666373). Splice site prediction tools suggest that this variant may not impact RNA splicing. To our knowledge, functional studies have not been performed for this variant. This variant has not been reported in individuals affected with cardiovascular disorders in the literature. This variant has not been identified in the general population by the Genome Aggregation Database (gnomAD). The available evidence is insufficient to determine the role of this variant in disease conclusively. Therefore, this variant is classified as a Variant of Uncertain Significance.